The following is an entry in ClinVar:

ClinVar aggregate classification (germline): Uncertain significance. Review status: criteria provided, multiple submitters, no conflicts (2 of 4 stars). 2 submissions from 2 submitters: Uncertain significance (2). Last evaluated 2025-03-03.

Conditions:
Inborn genetic diseases. Identifiers: MedGen C0950123, MeSH D030342.

Allele frequency attached by ClinVar (database versions not stated): gnomAD exomes below 0.00001; TOPMed below 0.00001.

Submissions (2):

Ambry Genetics
Classification: Uncertain significance for Inborn genetic diseases. Last evaluated: 2025-03-03. Review status: criteria provided, single submitter. Criteria: Ambry Variant Classification Scheme 2023. Collection method: clinical testing. Allele origin: germline.
Comment: The p.K1156R variant (also known as c.3467A>G), located in coding exon 24 of the ANKRD26 gene, results from an A to G substitution at nucleotide position 3467. The lysine at codon 1156 is replaced by arginine, an amino acid with highly similar properties. This amino acid position is conserved. In addition, this alteration is predicted to be tolerated by in silico analysis. Based on the available evidence, the clinical significance of this variant remains unclear.

Labcorp Genetics (formerly Invitae), Labcorp
Classification: Uncertain significance. Last evaluated: 2022-11-23. Review status: criteria provided, single submitter. Criteria: Invitae Variant Classification Sherloc (09022015). Collection method: clinical testing. Allele origin: germline.
Comment: In summary, the available evidence is currently insufficient to determine the role of this variant in disease. Therefore, it has been classified as a Variant of Uncertain Significance. Algorithms developed to predict the effect of missense changes on protein structure and function output the following: SIFT: "Deleterious"; PolyPhen-2: "Possibly Damaging"; Align-GVGD: "Class C0". The arginine amino acid residue is found in multiple mammalian species, which suggests that this missense change does not adversely affect protein function. This variant has not been reported in the literature in individuals affected with ANKRD26-related conditions. This variant is not present in population databases (gnomAD no frequency). This sequence change replaces lysine, which is basic and polar, with arginine, which is basic and polar, at codon 1156 of the ANKRD26 protein (p.Lys1156Arg).

NM_014915.3(ANKRD26):c.3467A>G (p.Lys1156Arg)

Gene: ANKRD26 (ankyrin repeat domain 26; minus strand). Cytogenetic location: 10p12.1.
Variant type: single nucleotide variant.
Coding change: c.3467A>G on transcript NM_014915.3 (MANE Select); coding-DNA position 3467, A replaced by G.
Protein change: p.Lys1156Arg; replaces lysine 1156 with arginine.
Molecular consequence: missense variant.
Genome position (GRCh38, 1-based): chr10:27,034,983, T>C on the plus strand (A>G on the coding strand, the complement: ANKRD26 is on the minus strand). VCF-style: chr10-27034983-T-C. GRCh37 (hg19) VCF-style: chr10-27323912-T-C.
Other names: c.3464A>G, p.Lys1155Arg (NM_001256053.2); short protein forms K1156R, K1155R.
Identifiers: ClinVar variation 2891549 (VCV002891549.4), dbSNP rs2053995192, ClinGen allele CA376362859.